The following is an entry in ClinVar:

ClinVar aggregate classification (germline): Conflicting classifications of pathogenicity. Review status: criteria provided, conflicting classifications (1 of 4 stars). 16 submissions from 16 submitters: Uncertain significance (1); Benign (2); Likely benign (11). 2 of the submissions do not count toward it. Last evaluated 2026-09-21.

Conditions:
Arrhythmogenic right ventricular cardiomyopathy (ARVD). Also called: Arrhythmogenic cardiomyopathy; Arrhythmogenic Right Ventricular Cardiomyopathy (ARVC); Cardiomyopathy, ARVC; Arrhythmogenic right ventricular dysplasia. Identifiers: Orphanet 247, MedGen C0349788, MeSH D019571, MONDO:0016587. Disease mechanism: loss of function. Inheritance: Various modes of inheritance.
Cardiomyopathy (CMYO). Also called: Cardiomyopathies. Identifiers: Orphanet 167848, MedGen C0878544, MONDO:0004994, HP:0001638. Inheritance: Various modes of inheritance.
Arrhythmogenic right ventricular dysplasia 9 (ARVD9). Also called: Arrhythmogenic Right Ventricular Dysplasia/Cardiomyopathy 9; ARRHYTHMOGENIC RIGHT VENTRICULAR DYSPLASIA, FAMILIAL, 9. Identifiers: MedGen C1836906, MONDO:0012180, OMIM 609040.

Allele frequency attached by ClinVar (database versions not stated): gnomAD 0.00073 and 0.00072; gnomAD exomes 0.00117 and 0.00043; ESP Exome Variant Server 0.00115; ExAC 0.00035; TOPMed 0.00064.
gnomAD v4.1: 1,868 of 1,606,820 alleles (0.12%); highest among the groups gnomAD compares: Non-Finnish European, 0.15%; 5 homozygotes.

Submissions (16):

Molecular Diagnostic Laboratory for Inherited Cardiovascular Disease, Montreal Heart Institute
Classification: Benign. Last evaluated: 2026-09-21. Review status: criteria provided, single submitter. Criteria: ACMG Guidelines, 2015. Collection method: clinical testing. Allele origin: germline. Affected: no.

Labcorp Genetics (formerly Invitae), Labcorp
Classification: Likely benign for Arrhythmogenic right ventricular dysplasia 9. Last evaluated: 2026-01-29. Review status: criteria provided, single submitter. Criteria: Invitae Variant Classification Sherloc (09022015). Collection method: clinical testing. Allele origin: germline.

Mayo Clinic Laboratories, Mayo Clinic
Classification: Likely benign. Last evaluated: 2025-07-18. Review status: criteria provided, single submitter. Criteria: ACMG Guidelines, 2015. Collection method: clinical testing. Allele origin: germline. Observed: 3 variant alleles.
Comment: BS1, BP4, BP7

ARUP Laboratories, Molecular Genetics and Genomics, ARUP Laboratories
Classification: Likely benign for Arrhythmogenic right ventricular dysplasia 9. Last evaluated: 2025-01-16. Review status: criteria provided, single submitter. Criteria: ARUP Molecular Germline Variant Investigation Process 2024. Collection method: clinical testing. Allele origin: germline.

Blueprint Genetics
Classification: Likely benign. Last evaluated: 2024-10-16. Review status: criteria provided, single submitter. Criteria: ACMG Guidelines, 2015. Collection method: clinical testing. Allele origin: germline.

All of Us Research Program, National Institutes of Health
Classification: Likely benign for Arrhythmogenic right ventricular cardiomyopathy. Last evaluated: 2024-02-05. Review status: criteria provided, single submitter. Criteria: ACMG Guidelines, 2015. Collection method: clinical testing. Allele origin: germline. Inheritance: Autosomal dominant inheritance. Observed: 228 variant alleles, 227 heterozygotes, 1 homozygote.
Comment: This study involves interpretation of variants in research participants for the purpose of population health screening. Participant phenotype was not available at the time of variant classification. Additional details can be found in publication PMID: 35346344, PMCID: PMC8962531

Women's Health and Genetics/Laboratory Corporation of America, LabCorp
Classification: Likely benign. Last evaluated: 2021-01-07. Review status: criteria provided, single submitter. Criteria: LabCorp Variant Classification Summary - May 2015. Collection method: clinical testing. Allele origin: germline.
Comment: Variant summary: PKP2 c.1171-10T>C alters a conserved nucleotide located close to a canonical splice site and therefore could affect mRNA splicing, leading to a significantly altered protein sequence. 4/4 computational tools predict no significant impact on normal splicing. However, these predictions have yet to be confirmed by functional studies. The variant allele was found at a frequency of 0.00043 in 250104 control chromosomes, predominantly at a frequency of 0.00092 within the Non-Finnish European subpopulation in the gnomAD database, including 1 homozygote. The observed variant frequency within Non-Finnish European control individuals in the gnomAD database is approximately 1.4- fold the estimated maximal expected allele frequency for a pathogenic variant in PKP2 causing Arrhythmogenic Right Ventricular Dysplasia/Cardiomyopathy phenotype (0.00065), suggesting that the variant is a benign polymorphism found primarily in populations of Non-Finnish European origin. To our knowledge, no occurrence of c.1171-10T>C in individuals affected with Arrhythmogenic Right Ventricular Dysplasia/Cardiomyopathy and no experimental evidence demonstrating its impact on protein function have been reported. Six other clinical diagnostic laboratories have submitted clinical-significance assessments for this variant to ClinVar after 2014 without evidence for independent evaluation, citing the variant as uncertain significance (n=1) and likely benign (n=5). Based on the evidence outlined above, the variant was classified as likely benign.

Color Diagnostics, LLC DBA Color Health
Classification: Likely benign for Cardiomyopathy. Last evaluated: 2018-09-29. Review status: criteria provided, single submitter. Criteria: ACMG Guidelines, 2015. Collection method: clinical testing. Allele origin: germline.

CHEO Genetics Diagnostic Laboratory, Children's Hospital of Eastern Ontario
Classification: Likely benign for Cardiomyopathy. Last evaluated: 2018-06-11. Review status: criteria provided, single submitter. Criteria: ACMG Guidelines, 2015. Collection method: clinical testing. Allele origin: germline.

Illumina Laboratory Services, Illumina
Classification: Uncertain significance for Arrhythmogenic right ventricular dysplasia 9. Last evaluated: 2018-01-13. Review status: criteria provided, single submitter. Criteria: ICSL Variant Classification Criteria 13 December 2019. Collection method: clinical testing. Allele origin: germline.

Clinical Genetics DNA and cytogenetics Diagnostics Lab, Erasmus MC, Erasmus Medical Center
Classification: Likely benign for Arrhythmogenic right ventricular dysplasia 9. Last evaluated: 2017-05-31. Review status: criteria provided, single submitter. Criteria: ACGS Guidelines, 2013. Collection method: clinical testing. Allele origin: germline. Affected: yes. Study: VKGL Data-share Consensus.

Laboratory for Molecular Medicine, Mass General Brigham Personalized Medicine
Classification: Likely benign. Last evaluated: 2015-10-20. Review status: criteria provided, single submitter. Criteria: LMM Criteria. Collection method: clinical testing. Allele origin: germline. Observed: 12 variant alleles.
Comment: c.1171-10T>C in intron 4 of PKP2: This variant is not expected to have clinical significance because a T>C change at this position does not diverge from the sp lice consensus and is therefore unlikely to impact splicing. It has been identif ied in 41/65854 European chromosomes by the Exome Aggregation Consortium (ExAC; dbSNP rs200122872).

Genome Diagnostics Laboratory, University Medical Center Utrecht
Classification: Likely benign for Arrhythmogenic right ventricular dysplasia 9. Last evaluated: 2014-10-09. Review status: criteria provided, single submitter. Criteria: ACGS Guidelines, 2013. Collection method: clinical testing. Allele origin: germline. Affected: yes. Study: VKGL Data-share Consensus.

GeneDx
Classification: Benign. Last evaluated: 2014-02-28. Review status: criteria provided, single submitter. Criteria: GeneDx Variant Classification (06012015). Collection method: clinical testing. Allele origin: germline. Affected: yes.
Comment: This variant is considered likely benign or benign based on one or more of the following criteria: it is a conservative change, it occurs at a poorly conserved position in the protein, it is predicted to be benign by multiple in silico algorithms, and/or has population frequency not consistent with disease.

Clinical Genetics, Academic Medical Center
Classification: Benign. Review status: no assertion criteria provided. Collection method: clinical testing. Allele origin: germline. Affected: yes. Study: VKGL Data-share Consensus. Not counted in ClinVar's aggregate classification.

Joint Genome Diagnostic Labs from Nijmegen and Maastricht, Radboudumc and MUMC+
Classification: Likely benign. Review status: no assertion criteria provided. Collection method: clinical testing. Allele origin: germline. Affected: yes. Study: VKGL Data-share Consensus. Not counted in ClinVar's aggregate classification.

NM_001005242.3(PKP2):c.1171-10T>C

Gene: PKP2 (plakophilin 2; minus strand). Cytogenetic location: 12p11.21.
Variant type: single nucleotide variant.
Coding change: c.1171-10T>C on transcript NM_001005242.3 (MANE Select); 10 bases into the intron before coding-DNA position 1171, T replaced by C.
Molecular consequence: intron variant.
Genome position (GRCh38, 1-based): chr12:32,850,983, A>G on the plus strand (T>C on the coding strand, the complement: PKP2 is on the minus strand). VCF-style: chr12-32850983-A-G. GRCh37 (hg19) VCF-style: chr12-33003917-A-G.
Other names: p.?; c.1171-10T>C (NM_004572.4, NM_001005242.2).
Identifiers: ClinVar variation 45013 (VCV000045013.35), dbSNP rs200122872, ClinGen allele CA010863.